The following is an entry in ClinVar:

NM_001206999.2(CIT):c.3689A>G (p.Lys1230Arg)

Gene: CIT (citron rho-interacting serine/threonine kinase; minus strand). Cytogenetic location: 12q24.23.
Variant type: single nucleotide variant.
Coding change: c.3689A>G on transcript NM_001206999.2 (MANE Select); coding-DNA position 3689, A replaced by G.
Protein change: p.Lys1230Arg; replaces lysine 1230 with arginine.
Molecular consequence: missense variant.
Genome position (GRCh38, 1-based): chr12:119,721,352, T>C on the plus strand (A>G on the coding strand, the complement: CIT is on the minus strand). VCF-style: chr12-119721352-T-C. GRCh37 (hg19) VCF-style: chr12-120159157-T-C.
Other names: c.3563A>G, p.Lys1188Arg (NM_007174.3); short protein forms K1188R, K1230R.
Identifiers: ClinVar variation 3019293 (VCV003019293.3), dbSNP rs375051794, ClinGen allele CA6821444.

ClinVar aggregate classification (germline): Uncertain significance (1 of 4 stars; one submission).

Allele frequency attached by ClinVar (database versions not stated): ExAC 0.00001; gnomAD 0.00001; TOPMed 0.00001; gnomAD exomes 0.00003; ESP Exome Variant Server 0.00008.
gnomAD v4.1: 44 of 1,610,788 alleles (0.0027%); highest among the groups gnomAD compares: Non-Finnish European, 0.0037%; no homozygotes.

Submission:

Labcorp Genetics (formerly Invitae), Labcorp
Classification: Uncertain significance. Last evaluated: 2024-09-06. Review status: criteria provided, single submitter. Criteria: Invitae Variant Classification Sherloc (09022015). Collection method: clinical testing. Allele origin: germline.
Comment: This sequence change replaces lysine, which is basic and polar, with arginine, which is basic and polar, at codon 1230 of the CIT protein (p.Lys1230Arg). This variant is present in population databases (rs375051794, gnomAD 0.0009%). This variant has not been reported in the literature in individuals affected with CIT-related conditions. An algorithm developed to predict the effect of missense changes on protein structure and function (PolyPhen-2) suggests that this variant is likely to be disruptive. In summary, the available evidence is currently insufficient to determine the role of this variant in disease. Therefore, it has been classified as a Variant of Uncertain Significance.